The following is an entry in ClinVar:

NM_001347721.2(DYRK1A):c.848del (p.Asn283fs)

Gene: DYRK1A (dual specificity tyrosine phosphorylation regulated kinase 1A; plus strand). Cytogenetic location: 21q22.13.
Variant type: Deletion.
Coding change: c.848del on transcript NM_001347721.2 (MANE Select); coding-DNA position 848, one base deleted (A; older notation c.848delA).
Protein change: p.Asn283fs; shifts the reading frame from asparagine 283.
Molecular consequence: frameshift variant.
Genome position (GRCh38, 1-based): chr21:37,490,385, A deleted; the last of 4 consecutive A bases (chr21:37,490,382-37,490,385); deleting any one gives the same sequence. VCF-style (leftmost placement, unchanged base first): chr21-37490381-GA-G. GRCh37 (hg19) VCF-style: chr21-38862683-GA-G.
Other names: c.875delA (NM_001396.5); c.848del, p.Asn283fs (NM_001347722.2, NM_130436.2); c.761del, p.Asn254fs (NM_001347723.2); c.875del, p.Asn292fs (NM_001396.5, NM_101395.2, NM_130438.2); short protein forms N254fs, N283fs, N292fs.
Identifiers: ClinVar variation 3374875 (VCV003374875.1).

ClinVar aggregate classification (germline): Pathogenic (1 of 4 stars; one submission).

Conditions:
DYRK1A-related intellectual disability syndrome (MRD7). Also called: DYRK1A Syndrome; Intellectual developmental disorder, autosomal dominant 7. Identifiers: Orphanet 464306, MedGen C5568143, MONDO:0013578, OMIM 614104.

Submission:

Women's Health and Genetics/Laboratory Corporation of America, LabCorp
Classification: Pathogenic for DYRK1A-related intellectual disability syndrome. Last evaluated: 2024-09-11. Review status: criteria provided, single submitter. Criteria: LabCorp Variant Classification Summary - May 2015. Collection method: clinical testing. Allele origin: germline.
Comment: Variant summary: DYRK1A c.875delA (p.Asn292IlefsX14) results in a premature termination codon, predicted to cause absence of the protein due to nonsense mediated decay, which is a commonly known mechanism for disease. The variant was absent in 251314 control chromosomes (gnomAD). To our knowledge, no occurrence of c.875delA in individuals affected with Mental Retardation, Autosomal Dominant 7 and no experimental evidence demonstrating its impact on protein function have been reported. No submitters have cited clinical-significance assessments for this variant to ClinVar. Based on the evidence outlined above, the variant was classified as pathogenic.